The following is an entry in ClinVar:

ClinVar aggregate classification (germline): Uncertain significance (1 of 4 stars; one submission).

Conditions:
Inborn genetic diseases. Identifiers: MedGen C0950123, MeSH D030342.

Submission:

Ambry Genetics
Classification: Uncertain significance for Inborn genetic diseases. Last evaluated: 2026-06-30. Review status: criteria provided, single submitter. Criteria: Ambry Variant Classification Scheme 2023. Collection method: clinical testing. Allele origin: germline.
Comment: The p.V145E variant (also known as c.434T>A), located in coding exon 3 of the MBD4 gene, results from a T to A substitution at nucleotide position 434. The valine at codon 145 is replaced by glutamic acid, an amino acid with dissimilar properties. This amino acid position is conserved. In addition, the in silico prediction for this alteration is inconclusive. Based on the available evidence, the clinical significance of this variant remains unclear.

NM_001276270.2(MBD4):c.434T>A (p.Val145Glu)

Gene: MBD4 (methyl-CpG binding domain 4, DNA glycosylase; minus strand). Cytogenetic location: 3q21.3.
Variant type: single nucleotide variant.
Coding change: c.434T>A on transcript NM_001276270.2 (MANE Select); coding-DNA position 434, T replaced by A.
Protein change: p.Val145Glu; replaces valine 145 with glutamic acid.
Molecular consequence: missense variant. On other transcripts: intron variant (1).
Genome position (GRCh38, 1-based): chr3:129,437,210, A>T on the plus strand (T>A on the coding strand, the complement: MBD4 is on the minus strand). VCF-style: chr3-129437210-A-T. GRCh37 (hg19) VCF-style: chr3-129156053-A-T.
Other names: c.434T>A, p.Val145Glu (NM_001276271.2, NM_001276272.2, NM_003925.3); c.247+598T>A (NM_001276273.2); short protein forms V145E.
Identifiers: ClinVar variation 5024013 (VCV005024013.1).
Genomic context (GRCh38, chr3:129,437,210, plus strand): 5'-GATGTCAGGGCTGCCATGCTGCAGTCTTTATATCTTGACTTGATACCCCTTTTAGAAAGT[A>T]CAGTAAAATCAAAATCTTCTGGCTTAAGAGAAGTCTCTCCATTTTTGTGAAGATAATTAG-3'
Protein context (NP_001263199.1, residues 135-155): SLKPEDFDFT[Val145Glu]LSKRGIKSRY